The following is an entry in ClinVar:

NM_001184.4(ATR):c.2830A>G (p.Ser944Gly)

Gene: ATR (ATR checkpoint kinase; minus strand). Cytogenetic location: 3q23.
Variant type: single nucleotide variant.
Coding change: c.2830A>G on transcript NM_001184.4 (MANE Select); coding-DNA position 2830, A replaced by G.
Protein change: p.Ser944Gly; replaces serine 944 with glycine.
Molecular consequence: missense variant.
Genome position (GRCh38, 1-based): chr3:142,550,278, T>C on the plus strand (A>G on the coding strand, the complement: ATR is on the minus strand). VCF-style: chr3-142550278-T-C. GRCh37 (hg19) VCF-style: chr3-142269120-T-C.
Other names: c.2638A>G, p.Ser880Gly (NM_001354579.2); c.2830A>G (NM_001184.3); short protein forms S944G, S880G.
Identifiers: ClinVar variation 1975242 (VCV001975242.7), dbSNP rs2473367684, ClinGen allele CA354813389.

ClinVar aggregate classification (germline): Uncertain significance. Review status: criteria provided, multiple submitters, no conflicts (2 of 4 stars). 2 submissions from 2 submitters: Uncertain significance (2). Last evaluated 2023-03-22.

Conditions:
Inborn genetic diseases. Identifiers: MedGen C0950123, MeSH D030342.

Submissions (2):

Ambry Genetics
Classification: Uncertain significance for Inborn genetic diseases. Last evaluated: 2023-03-22. Review status: criteria provided, single submitter. Criteria: Ambry Variant Classification Scheme 2023. Collection method: clinical testing. Allele origin: germline.
Comment: The p.S944G variant (also known as c.2830A>G), located in coding exon 14 of the ATR gene, results from an A to G substitution at nucleotide position 2830. The serine at codon 944 is replaced by glycine, an amino acid with similar properties. This amino acid position is conserved. In addition, this alteration is predicted to be tolerated by in silico analysis. Since supporting evidence is limited at this time, the clinical significance of this alteration remains unclear.

Labcorp Genetics (formerly Invitae), Labcorp
Classification: Uncertain significance. Last evaluated: 2022-04-20. Review status: criteria provided, single submitter. Criteria: Invitae Variant Classification Sherloc (09022015). Collection method: clinical testing. Allele origin: germline.
Comment: In summary, the available evidence is currently insufficient to determine the role of this variant in disease. Therefore, it has been classified as a Variant of Uncertain Significance. Algorithms developed to predict the effect of missense changes on protein structure and function (SIFT, PolyPhen-2, Align-GVGD) all suggest that this variant is likely to be tolerated. This variant has not been reported in the literature in individuals affected with ATR-related conditions. This variant is not present in population databases (gnomAD no frequency). This sequence change replaces serine, which is neutral and polar, with glycine, which is neutral and non-polar, at codon 944 of the ATR protein (p.Ser944Gly).